The following is an entry in ClinVar:

NM_000088.4(COL1A1):c.1678G>T (p.Gly560Cys)

Gene: COL1A1 (collagen type I alpha 1 chain; minus strand). Cytogenetic location: 17q21.33.
Variant type: single nucleotide variant.
Coding change: c.1678G>T on transcript NM_000088.4 (MANE Select); coding-DNA position 1678, G replaced by T.
Protein change: p.Gly560Cys; replaces glycine 560 with cysteine.
Molecular consequence: missense variant.
Genome position (GRCh38, 1-based): chr17:50,194,032, C>A on the plus strand (G>T on the coding strand, the complement: COL1A1 is on the minus strand). VCF-style: chr17-50194032-C-A. GRCh37 (hg19) VCF-style: chr17-48271393-C-A.
Other names: short protein forms G560C.
Identifiers: ClinVar variation 526860 (VCV000526860.15), dbSNP rs67507747, ClinGen allele CA291545054.

ClinVar aggregate classification (germline): Pathogenic/Likely pathogenic. Review status: criteria provided, multiple submitters, no conflicts (2 of 4 stars). 5 submissions from 5 submitters: Pathogenic (4); Likely pathogenic (1). Last evaluated 2025-12-24.

Conditions:
Osteogenesis imperfecta type I (OI1). Also called: OSTEOGENESIS IMPERFECTA WITH BLUE SCLERAE; Osteogenesis imperfecta type 1; Lobstein's Disease; OI, TYPE I; OSTEOGENESIS IMPERFECTA TARDA; Classic Non-deforming Osteogenesis Imperfecta with Blue Sclerae. Identifiers: Orphanet 216796, Orphanet 666, MedGen C0023931, MONDO:0008146, OMIM 166200. Disease mechanism: loss of function.
COL1A1-related disorder. Also called: COL1A1- related disease; COL1A1-related condition.

Submissions (5):

Labcorp Genetics (formerly Invitae), Labcorp
Classification: Pathogenic for Osteogenesis imperfecta type I. Last evaluated: 2025-12-24. Review status: criteria provided, single submitter. Criteria: Invitae Variant Classification Sherloc (09022015). Collection method: clinical testing. Allele origin: germline.
Comment: This sequence change replaces glycine, which is neutral and non-polar, with cysteine, which is neutral and slightly polar, at codon 560 of the COL1A1 protein (p.Gly560Cys). This variant is not present in population databases (gnomAD no frequency). This missense change has been observed in individual(s) with clinical features of osteogenesis imperfecta (PMID: 17078022, 28378289). ClinVar contains an entry for this variant (Variation ID: 526860). Invitae Evidence Modeling of protein sequence and biophysical properties (such as structural, functional, and spatial information, amino acid conservation, physicochemical variation, residue mobility, and thermodynamic stability) indicates that this missense variant is expected to disrupt COL1A1 protein function with a positive predictive value of 95%. This variant disrupts the triple helix domain of COL1A1. Glycine residues within the Gly-Xaa-Yaa repeats of the triple helix domain are required for the structure and stability of fibrillar collagens (PMID: 7695699, 8218237, 19344236). In COL1A1, variants affecting these glycine residues are significantly enriched in individuals with disease (PMID: 9016532, 17078022) compared to the general population (ExAC). This variant disrupts the p.Gly560 amino acid residue in COL1A1. Other variant(s) that disrupt this residue have been observed in individuals with COL1A1-related conditions (PMID: 8799376, 17078022, 24668929, 27510842), which suggests that this may be a clinically significant amino acid residue. For these reasons, this variant has been classified as Pathogenic.

GeneDx
Classification: Pathogenic. Last evaluated: 2024-10-25. Review status: criteria provided, single submitter. Criteria: GeneDx Variant Classification Process June 2021. Collection method: clinical testing. Allele origin: germline. Affected: yes.
Comment: Has been reported in individuals with osteogenesis imperfecta (PMID: 27748872, 2238087, 17078022); Identified in a patient with significant fracture history without additional skeletal features of OI (PMID: 28378289); Not observed at significant frequency in large population cohorts (gnomAD); In silico analysis supports that this missense variant has a deleterious effect on protein structure/function; Occurs in the triple helical domain and replaces the glycine in the canonical Gly-X-Y repeat; missense substitution of a canonical glycine residue is expected to disrupt normal protein folding and function, and this is an established mechanism of disease (PMID: 34007986); This variant is associated with the following publications: (PMID: 2238087, 28378289, 34007986, 27748872, 17078022)

Genomic Medicine Center of Excellence, King Faisal Specialist Hospital and Research Centre
Classification: Pathogenic for Osteogenesis imperfecta type I. Last evaluated: 2024-03-26. Review status: criteria provided, single submitter. Criteria: ACMG Guidelines, 2015. Collection method: clinical testing. Allele origin: germline.

PreventionGenetics, part of Exact Sciences
Classification: Pathogenic for COL1A1-related condition. Last evaluated: 2022-12-27. Review status: criteria provided, single submitter. Criteria: ACMG Guidelines, 2015. Collection method: clinical testing. Allele origin: germline.
Comment: The COL1A1 c.1678G>T variant is predicted to result in the amino acid substitution p.Gly560Cys. This variant was reported in individuals with osteogenesis imperfecta (Bardai et al. 2017. PubMed ID: 28378289; Marini et al. 2007. PubMed ID: 17078022). Different missense variants altering the same amino acid residue (p.Gly560Ser, p.Gly560Arg) have also been reported in individuals with osteogenesis imperfecta (for examples see Marini et al. 2007. PubMed ID: 17078022). This variant has not been reported in a large population database, indicating this variant is rare. This variant is interpreted as pathogenic.

Revvity Omics, Revvity
Classification: Likely pathogenic. Last evaluated: 2022-07-27. Review status: criteria provided, single submitter. Criteria: ACMG Guidelines, 2015. Collection method: clinical testing. Allele origin: germline.

Literature cited by the submitters: PubMed 17078022 (cited by Labcorp Genetics (formerly Invitae), Labcorp); PubMed 28378289 (cited by Labcorp Genetics (formerly Invitae), Labcorp); PubMed 7695699 (cited by Labcorp Genetics (formerly Invitae), Labcorp); PubMed 8218237 (cited by Labcorp Genetics (formerly Invitae), Labcorp); PubMed 19344236 (cited by Labcorp Genetics (formerly Invitae), Labcorp); PubMed 9016532 (cited by Labcorp Genetics (formerly Invitae), Labcorp); PubMed 8799376 (cited by Labcorp Genetics (formerly Invitae), Labcorp); PubMed 24668929 (cited by Labcorp Genetics (formerly Invitae), Labcorp); PubMed 27510842 (cited by Labcorp Genetics (formerly Invitae), Labcorp).